The following is an entry in ClinVar:

ClinVar aggregate classification (germline): Pathogenic/Likely pathogenic. Review status: criteria provided, multiple submitters, no conflicts (2 of 4 stars). 32 submissions from 31 submitters: Pathogenic (21); Likely pathogenic (3). 8 of the submissions do not count toward it. Last evaluated 2026-07-07.

Conditions:
WFS1-related disorder. Identifiers: MedGen CN379391, MONDO:0700293.
WFS1 Spectrum Disorder. Identifiers: MedGen CN381106.
Monogenic hearing loss.
Autosomal dominant nonsyndromic hearing loss. Also called: Rare autosomal dominant non-syndromic sensorineural deafness type DFNA. Identifiers: Orphanet 90635, MedGen C5779548, MONDO:0019587.
Wolfram-like syndrome. Also called: HEARING LOSS, PROGRESSIVE, WITH OPTIC ATROPHY AND/OR IMPAIRED GLUCOSE REGULATION. Identifiers: Orphanet 411590, MedGen C3280358, MONDO:0013673, OMIM 614296.
Autosomal dominant nonsyndromic hearing loss 6 (LFSNHL). Also called: Autosomal dominant nonsyndromic deafness 6; DEAFNESS, AUTOSOMAL DOMINANT 6; DEAFNESS, AUTOSOMAL DOMINANT 14; DEAFNESS, AUTOSOMAL DOMINANT 38. Identifiers: Orphanet 90635, MedGen C1833021, MONDO:0010963, OMIM 600965.
Wolfram syndrome 1 (WFS1). Identifiers: Orphanet 3463, MedGen C4551693, MONDO:0009101, OMIM 222300.
Type 2 diabetes mellitus. Also called: Type II diabetes mellitus. Identifiers: MedGen C0011860, MeSH D003924, MONDO:0005148, OMIM 125853, HP:0005978.
Cataract 41 (CTRCT41). Also called: CATARACT 41, CONGENITAL NUCLEAR TYPE. Identifiers: Orphanet 91492, Orphanet 98991, Orphanet 98992, Orphanet 98995, MedGen C3805412, MONDO:0007287, OMIM 116400.
Rare genetic deafness. Identifiers: Orphanet 96210, MedGen C5680250.
Inborn genetic diseases. Identifiers: MedGen C0950123, MeSH D030342.
Optic atrophy. Identifiers: MedGen C0029124, MONDO:0003608, HP:0000648.

gnomAD v4.1: 4 of 1,612,936 alleles (0.00025%); highest among the groups gnomAD compares: Non-Finnish European, 0.00025%; no homozygotes.

Submissions 1 to 7 of 32:

Genetics Laboratory, Great Ormond Street Hospital NHS Foundation Trust, North Thames Genomic Laboratory Hub
Classification: Pathogenic for Monogenic hearing loss. Last evaluated: 2026-07-07. Review status: criteria provided, single submitter. Criteria: ACGS Best Practice Guidelines for Variant Classification in Rare Disease 2024 v1.2. Collection method: clinical testing. Allele origin: germline. Affected: yes.
Comment: PS4_moderate, PM2_moderate, PP3_supporting, PS3_moderate, PP1_strong, PM6_strong

Laboratory of Molecular, Cellular and Translation Genetics in Otolaryngology/ Lim32-hcfmusp, University of Sao Paulo School of Medicine Clinics Hospital
Classification: Likely pathogenic for Autosomal dominant nonsyndromic hearing loss 6. Last evaluated: 2026-04-30. Review status: criteria provided, single submitter. Criteria: ACMG Guidelines, 2015. Collection method: research. Allele origin: germline. Affected: yes.
Comment: NM_006005.3:c.2051C>T:p.(Ala684Val). This variant has been classified as likely pathogenic. It is absent from population databases (PM2), and in silico prediction tools support a deleterious effect on protein function (PP3). It has been previously reported in individuals with nonsyndromic hearing loss (PS4_moderate), and functional studies support a damaging effect on the gene product (PS3_supporting). These findings support the causative role of this variant in the proband as described in PMID: 42233699.

Labcorp Genetics (formerly Invitae), Labcorp
Classification: Pathogenic. Last evaluated: 2026-01-25. Review status: criteria provided, single submitter. Criteria: Invitae Variant Classification Sherloc (09022015). Collection method: clinical testing. Allele origin: germline.
Comment: This sequence change replaces alanine, which is neutral and non-polar, with valine, which is neutral and non-polar, at codon 684 of the WFS1 protein (p.Ala684Val). This variant is not present in population databases (gnomAD no frequency). This missense change has been observed in individuals with clinical features of autosomal dominant Wolfram syndrome and autosomal recessive Wolfram-like syndrome (PMID: 11295831, 21067485, 21538838, 22238590, 29529044). It has also been observed to segregate with disease in related individuals. ClinVar contains an entry for this variant (Variation ID: 30556). Invitae Evidence Modeling of protein sequence and biophysical properties (such as structural, functional, and spatial information, amino acid conservation, physicochemical variation, residue mobility, and thermodynamic stability) indicates that this missense variant is expected to disrupt WFS1 protein function with a positive predictive value of 95%. Experimental studies have shown that this missense change affects WFS1 function (PMID: 21538838). For these reasons, this variant has been classified as Pathogenic.

Department of Otolaryngology-Head and Neck Surgery, Shanghai Jiao Tong University Affiliated Sixth People’s Hospital
Classification: Pathogenic for Autosomal dominant nonsyndromic hearing loss 6. Last evaluated: 2026-01-18. Review status: criteria provided, single submitter. Criteria: ACMG Guidelines, 2015. Collection method: provider interpretation. Allele origin: germline. Inheritance: Autosomal dominant inheritance. Affected: yes. Observed: 2 variant alleles, 2 heterozygotes.
Comment: Variant: NM_006005.3(WFS1):c.2051C>T (p.Ala684Val). Pathogenicity Evidence Codes: 1. PS3_Moderate: Functional studies confirm a damaging effect of the variant on protein function. Research (PMID: 21538838IF: 1.7 Q3 ) demonstrates that the p.Ala684Val variant impairs WFS1 protein function. 2. PS4_Moderate: The variant is significantly enriched in affected populations. The ClinVar database (Variation ID: 30556, Accession: VCV000030556.54) includes 26 independent clinical submissions consistently classified as “Pathogenic” or “Likely Pathogenic,” with no conflicting interpretations. 3. PM2_Supporting: The variant is absent or present at extremely low frequency in large-scale population genomic databases (e.g., gnomAD), inconsistent with a benign polymorphism. 4. PM5_Supporting: Different missense changes at the same codon (position 684) have been established as pathogenic (e.g., p.Ala684Thr, ClinVar Accession: SCV002315693.4), indicating this residue is sensitive to functional alteration. 5. PM6_Supporting: The variant has been reported as de novo in a patient (PMID: 24890733), further supporting its pathogenic potential. 6. PP1_Strong: Strong evidence of segregation with the disease in families. a. b. Independent family evidence: Literature (PMID: 21538838) additionally reports cosegregation of this variant with disease in 4 independent families encompassing a total of 15 affected individuals, providing strong statistical support for pathogenicity. 7. PP3_Supporting: Multiple in silico prediction tools consistently suggest a damaging effect. For example, the REVEL score is 0.891, within the high pathogenic range. Based on the available evidence, NM_006005.3(WFS1):c.2051C>T (p.Ala684Val) should be classified as a pathogenic variant.

PreventionGenetics, part of Exact Sciences
Classification: Pathogenic for WFS1-related condition. Last evaluated: 2025-05-27. Review status: criteria provided, single submitter. Criteria: ACMG Guidelines, 2015. Collection method: clinical testing. Allele origin: germline.
Comment: The WFS1 c.2051C>T variant is predicted to result in the amino acid substitution p.Ala684Val. This variant has previously been reported to be a frequent cause of autosomal dominant optic atrophy and sensorineural hearing loss in the heterozygous state and has also been reported to cause Wolfram syndrome in the compound heterozygous state (Rendtorff et al. 2011. PubMed ID: 21538838; Tessa et al. 2001. PubMed ID: 11295831; Aloi et al. 2012. PubMed ID: 22238590; Van Heurck et al. 2021. PubMed ID: 34440452; Lin et al. 2021. PubMed ID: 34573359). Functional analysis showed that this variant reduces WFS1 protein expression (Rendtorff et al. 2011. PubMed ID: 21538838). This variant has not been reported in a large population database (gnomAD), indicating this variant is rare. This variant is interpreted as pathogenic.

Institute of Medical Genetics and Genomics, Sir Ganga Ram Hospital
Classification: Likely pathogenic for Wolfram-like syndrome. Last evaluated: 2024-12-13. Review status: criteria provided, single submitter. Criteria: ACMG Guidelines, 2015. Collection method: clinical testing. Allele origin: inherited. Inheritance: Autosomal dominant inheritance. Affected: yes.
Comment: The identified heterozygous missense variant in WFS1 gene is predicted to be damaging by various in-silico predictions[PP3], is present in the mutational hotspot region[PM1], is absent from normal population database[PM2]. It has been reported 21 times as pathogenic and likely pathogenic in clinvar [Clinvar ID: 30556]. This variant is well reported in literature [PMID: 21538838, 37041640, 36933359]

Center for Statistical Genetics, Columbia University
Classification: Pathogenic for Autosomal dominant nonsyndromic hearing loss. Last evaluated: 2024-11-08. Review status: criteria provided, single submitter. Criteria: ACMG Guidelines, 2015. Collection method: research. Allele origin: germline. Inheritance: Autosomal dominant inheritance. Affected: yes. Observed: 2 heterozygotes.

NM_006005.3(WFS1):c.2051C>T (p.Ala684Val)

Gene: WFS1 (wolframin ER transmembrane glycoprotein; plus strand). Cytogenetic location: 4p16.1.
Variant type: single nucleotide variant.
Coding change: c.2051C>T on transcript NM_006005.3 (MANE Select); coding-DNA position 2051, C replaced by T.
Protein change: p.Ala684Val; replaces alanine 684 with valine.
Molecular consequence: missense variant.
Genome position (GRCh38, 1-based): chr4:6,301,846, C>T. VCF-style: chr4-6301846-C-T. GRCh37 (hg19) VCF-style: chr4-6303573-C-T.
Other names: p.A684V:GCG>GTG; c.2051C>T, p.Ala684Val (NM_001145853.1); short protein forms A684V.
Identifiers: ClinVar variation 30556 (VCV000030556.66), dbSNP rs387906930, ClinGen allele CA129328.